The following is an entry in ClinVar:

ClinVar aggregate classification (germline): Uncertain significance. Review status: criteria provided, multiple submitters, no conflicts (2 of 4 stars). 2 submissions from 2 submitters: Uncertain significance (2). Last evaluated 2025-02-10.

Conditions:
Inborn genetic diseases. Identifiers: MedGen C0950123, MeSH D030342.

Allele frequency attached by ClinVar (database versions not stated): gnomAD exomes below 0.00001.
gnomAD v4.1: 3 of 1,555,600 alleles (0.00019%); highest among the groups gnomAD compares: African/African-American, 0.0014%; no homozygotes.

Submissions (2):

Labcorp Genetics (formerly Invitae), Labcorp
Classification: Uncertain significance. Last evaluated: 2025-02-10. Review status: criteria provided, single submitter. Criteria: Invitae Variant Classification Sherloc (09022015). Collection method: clinical testing. Allele origin: germline.
Comment: This sequence change replaces arginine, which is basic and polar, with glutamine, which is neutral and polar, at codon 90 of the MYO7A protein (p.Arg90Gln). This variant is not present in population databases (gnomAD no frequency). This variant has not been reported in the literature in individuals affected with MYO7A-related conditions. ClinVar contains an entry for this variant (Variation ID: 2491140). Invitae Evidence Modeling of protein sequence and biophysical properties (such as structural, functional, and spatial information, amino acid conservation, physicochemical variation, residue mobility, and thermodynamic stability) indicates that this missense variant is not expected to disrupt MYO7A protein function with a negative predictive value of 95%. In summary, the available evidence is currently insufficient to determine the role of this variant in disease. Therefore, it has been classified as a Variant of Uncertain Significance.

Ambry Genetics
Classification: Uncertain significance for Inborn genetic diseases. Last evaluated: 2023-02-28. Review status: criteria provided, single submitter. Criteria: Ambry Variant Classification Scheme 2023. Collection method: clinical testing. Allele origin: germline.

NM_000260.4(MYO7A):c.269G>A (p.Arg90Gln)

Gene: MYO7A (myosin VIIA; plus strand). Cytogenetic location: 11q13.5.
Variant type: single nucleotide variant.
Coding change: c.269G>A on transcript NM_000260.4 (MANE Select); coding-DNA position 269, G replaced by A.
Protein change: p.Arg90Gln; replaces arginine 90 with glutamine.
Molecular consequence: missense variant.
Genome position (GRCh38, 1-based): chr11:77,147,934, G>A. VCF-style: chr11-77147934-G-A. GRCh37 (hg19) VCF-style: chr11-76858980-G-A.
Other names: c.269G>A, p.Arg90Gln (NM_001127180.2); c.236G>A, p.Arg79Gln (NM_001369365.1); short protein forms R79Q, R90Q.
Identifiers: ClinVar variation 2491140 (VCV002491140.3), dbSNP rs1165878942, ClinGen allele CA381929362.